The following is an entry in ClinVar:

ClinVar aggregate classification (germline): Conflicting classifications of pathogenicity. Review status: criteria provided, conflicting classifications (1 of 4 stars). 9 submissions from 9 submitters: Uncertain significance (7); Likely benign (1). 1 of the submissions does not count toward it. Last evaluated 2025-10-23.

Conditions:
Hereditary breast ovarian cancer syndrome. Also called: Hereditary breast and ovarian cancer syndrome; Hereditary breast and ovarian cancer syndrome (HBOC); BRCA1- and BRCA2-Associated Hereditary Breast and Ovarian Cancer; Breast and ovarian cancer; Hereditary breast and ovarian cancer; Hereditary breast and/or ovarian cancer syndrome. Identifiers: Orphanet 145, MedGen C0677776, MeSH D061325, MONDO:0003582. Disease mechanism: loss of function.
Breast-ovarian cancer, familial, susceptibility to, 1 (BROVCA1). Also called: OVARIAN CANCER, SUSCEPTIBILITY TO; BRCA1 Hereditary Breast and Ovarian Cancer. Identifiers: Orphanet 145, MedGen C2676676, MONDO:0011450, OMIM 604370. Disease mechanism: loss of function.
Hereditary cancer-predisposing syndrome. Also called: Hereditary Cancer Syndrome; Hereditary neoplastic syndrome; Tumor predisposition; Neoplastic Syndromes, Hereditary. Identifiers: Orphanet 140162, MedGen C0027672, MeSH D009386, MONDO:0015356.

Allele frequency attached by ClinVar (database versions not stated): gnomAD 0.00001; TOPMed 0.00003.
gnomAD v4.1: 2 of 1,614,104 alleles (0.00012%); highest among the groups gnomAD compares: African/African-American, 0.0027%; no homozygotes.

Submissions (9):

Labcorp Genetics (formerly Invitae), Labcorp
Classification: Uncertain significance for Hereditary breast ovarian cancer syndrome. Last evaluated: 2025-10-23. Review status: criteria provided, single submitter. Criteria: Invitae Variant Classification Sherloc (09022015). Collection method: clinical testing. Allele origin: germline.
Comment: This sequence change replaces asparagine, which is neutral and polar, with tyrosine, which is neutral and polar, at codon 329 of the BRCA1 protein (p.Asn329Tyr). This variant is present in population databases (rs786203732, gnomAD 0.01%). This variant has not been reported in the literature in individuals affected with BRCA1-related conditions. ClinVar contains an entry for this variant (Variation ID: 187436). Invitae Evidence Modeling of protein sequence and biophysical properties (such as structural, functional, and spatial information, amino acid conservation, physicochemical variation, residue mobility, and thermodynamic stability) indicates that this missense variant is not expected to disrupt BRCA1 protein function with a negative predictive value of 80%. In summary, the available evidence is currently insufficient to determine the role of this variant in disease. Therefore, it has been classified as a Variant of Uncertain Significance.

Quest Diagnostics Nichols Institute San Juan Capistrano
Classification: Uncertain significance. Last evaluated: 2025-06-25. Review status: criteria provided, single submitter. Criteria: Quest Diagnostics criteria. Collection method: clinical testing. Allele origin: unknown.
Comment: The BRCA1 c.985A>T (p.Asn329Tyr) variant has been reported in the published literature to be located in a region of the BRCA1 gene that is tolerant to missense sequence changes (PMID: 31911673 (2020)). To the best of our knowledge, this variant has not been reported in individuals with BRCA1-related disorders. The frequency of this variant in the general population (Genome Aggregation Database) is uninformative in the assessment of its pathogenicity. Analysis of this variant using bioinformatics tools for the prediction of the effect of amino acid changes on protein structure and function yielded conflicting predictions that this variant is deleterious or benign. Based on the available information, we are unable to determine the clinical significance of this variant.

Ambry Genetics
Classification: Uncertain significance for Hereditary cancer-predisposing syndrome. Last evaluated: 2024-10-06. Review status: criteria provided, single submitter. Criteria: Ambry Variant Classification Scheme 2023. Collection method: clinical testing. Allele origin: germline.

Women's Health and Genetics/Laboratory Corporation of America, LabCorp
Classification: Uncertain significance. Last evaluated: 2024-08-18. Review status: criteria provided, single submitter. Criteria: LabCorp Variant Classification Summary - May 2015. Collection method: clinical testing. Allele origin: germline.

All of Us Research Program, National Institutes of Health
Classification: Uncertain significance for Breast-ovarian cancer, familial, susceptibility to, 1. Last evaluated: 2023-12-13. Review status: criteria provided, single submitter. Criteria: ACMG Guidelines, 2015. Collection method: clinical testing. Allele origin: germline. Inheritance: Autosomal dominant inheritance. Observed: 1 variant allele, 1 heterozygote.
Comment: This missense variant replaces asparagine with tyrosine at codon 329 of the BRCA1 protein. Computational prediction is inconclusive regarding the impact of this variant on protein structure and function. To our knowledge, functional studies have not been reported for this variant. This variant has not been reported in individuals affected with BRCA1-related disorders in the literature. This variant has been reported in 2 individuals age 70 years or older without cancer in the FLOSSIES database. This variant has been identified in 1/31408 chromosomes in the general population by the Genome Aggregation Database (gnomAD). The available evidence is insufficient to determine the role of this variant in disease conclusively. Therefore, this variant is classified as a Variant of Uncertain Significance.

This study involves interpretation of variants in research participants for the purpose of population health screening. Participant phenotype was not available at the time of variant classification. Additional details can be found in publication PMID: 35346344, PMCID: PMC8962531

Color Diagnostics, LLC DBA Color Health
Classification: Uncertain significance for Hereditary cancer-predisposing syndrome. Last evaluated: 2023-11-16. Review status: criteria provided, single submitter. Criteria: ACMG Guidelines, 2015. Collection method: clinical testing. Allele origin: germline.
Comment: This missense variant replaces asparagine with tyrosine at codon 329 of the BRCA1 protein. Computational prediction is inconclusive regarding the impact of this variant on protein structure and function. To our knowledge, functional studies have not been reported for this variant. This variant has not been reported in individuals affected with BRCA1-related disorders in the literature. This variant has been reported in 2 individuals age 70 years or older without cancer in the FLOSSIES database. This variant has been identified in 1/31408 chromosomes in the general population by the Genome Aggregation Database (gnomAD). The available evidence is insufficient to determine the role of this variant in disease conclusively. Therefore, this variant is classified as a Variant of Uncertain Significance.

University of Washington Department of Laboratory Medicine, University of Washington
Classification: Likely benign for Hereditary cancer-predisposing syndrome. Last evaluated: 2023-03-23. Review status: criteria provided, single submitter. Criteria: Dines et al. (Genet Med. 2020). Collection method: curation. Allele origin: germline.
Comment: Missense variant in a coldspot region where missense variants are very unlikely to be pathogenic (PMID:31911673).

BRCA1 coldspot (exon 11 using historical exon numbering). Reclassification based on statistical prior probability

GeneDx
Classification: Uncertain significance. Last evaluated: 2019-08-30. Review status: criteria provided, single submitter. Criteria: GeneDx Variant Classification Process June 2021. Collection method: clinical testing. Allele origin: germline. Affected: yes.
Comment: Not observed at a significant frequency in large population cohorts (Lek 2016); Has not been previously published as pathogenic or benign to our knowledge; In silico analysis, which includes protein predictors and evolutionary conservation, supports a deleterious effect; Also known as BRCA1 1104A>T

Department of Pathology and Laboratory Medicine, Sinai Health System
Classification: Uncertain significance. Review status: no assertion criteria provided. Collection method: clinical testing. Allele origin: unknown. Affected: yes. Observed: 7 variant alleles. Study: The Canadian Open Genetics Repository (COGR). Not counted in ClinVar's aggregate classification.
Comment: The p.Asn329Tyr variant has not been reported in the literature nor previously identified by our laboratory. This residue is not highly conserved in mammals and computational analyses (PolyPhen2, SIFT, AlignGVGD) provide inconsistent predictions regarding the impact to the protein and this information is not very predictive of pathogenicity. In summary, based on the above information the clinical significance of this variant cannot be determined with certainty at this time. It should be noted that BRCA1 variants are inherited in an autosomal dominant manner with reduced penetrance and that the expression of the disease can be influenced by other modifier genes and environmental factors. The significance of a variant should always be interpreted in the context of the individual's clinical manifestations. In addition, genetic counseling is recommended and testing of additional family members may help to understand the significance of this variant.

Literature cited by the submitters: PubMed 31911673 (cited by Quest Diagnostics Nichols Institute San Juan Capistrano).

NM_007294.4(BRCA1):c.985A>T (p.Asn329Tyr)

Gene: BRCA1 (BRCA1 DNA repair associated; minus strand). Cytogenetic location: 17q21.31.
Variant type: single nucleotide variant.
Coding change: c.985A>T on transcript NM_007294.4 (MANE Select); coding-DNA position 985, A replaced by T.
Protein change: p.Asn329Tyr; replaces asparagine 329 with tyrosine.
Molecular consequence: missense variant. On other transcripts: intron variant (137).
Genome position (GRCh38, 1-based): chr17:43,094,546, T>A on the plus strand (A>T on the coding strand, the complement: BRCA1 is on the minus strand). VCF-style: chr17-43094546-T-A. GRCh37 (hg19) VCF-style: chr17-41246563-T-A.
Other names: c.862A>T, p.Asn288Tyr (NM_001407863.1, NM_001407939.1, NM_001407648.1 and 19 more transcripts); c.781A>T, p.Asn261Tyr (NM_001407874.1, NM_001407875.1); c.772A>T, p.Asn258Tyr (NM_001407894.1, NM_001407895.1, NM_001407896.1 and 9 more transcripts); c.775A>T, p.Asn259Tyr (NM_001407900.1, NM_001407902.1, NM_001407904.1 and 13 more transcripts); c.721A>T, p.Asn241Tyr (NM_001407920.1, NM_001407921.1, NM_001407922.1 and 9 more transcripts); c.859A>T, p.Asn287Tyr (NM_001407940.1, NM_001407941.1, NM_001407649.1 and 11 more transcripts); c.844A>T, p.Asn282Tyr (NM_001407942.1, NM_001407944.1, NM_001407945.1 and 29 more transcripts); c.841A>T, p.Asn281Tyr (NM_001407943.1, NM_001407964.1, NM_001407747.1 and 20 more transcripts); and 40 more; short protein forms N329Y, N282Y, N201Y, N202Y, N218Y, N261Y, N303Y, N281Y.
Identifiers: ClinVar variation 187436 (VCV000187436.30), dbSNP rs786203732, ClinGen allele CA004000.